The following is an entry in ClinVar:

NM_015215.4(CAMTA1):c.1247C>G (p.Ala416Gly)

Gene: CAMTA1 (calmodulin binding transcription activator 1; plus strand). Cytogenetic location: 1p36.23.
Variant type: single nucleotide variant.
Coding change: c.1247C>G on transcript NM_015215.4 (MANE Select); coding-DNA position 1247, C replaced by G.
Protein change: p.Ala416Gly; replaces alanine 416 with glycine.
Molecular consequence: missense variant.
Genome position (GRCh38, 1-based): chr1:7,663,794, C>G. VCF-style: chr1-7663794-C-G. GRCh37 (hg19) VCF-style: chr1-7723854-C-G.
Other names: c.1157C>G, p.Ala386Gly (NM_001349608.2, NM_001349612.2); c.1247C>G, p.Ala416Gly (NM_001349609.2, NM_001349610.2, NM_001410737.1); c.1175C>G, p.Ala392Gly (NM_001410738.1); short protein forms A386G, A392G, A416G.
Identifiers: ClinVar variation 4814069 (VCV004814069.3).
Genomic context (GRCh38, chr1:7,663,794, plus strand): 5'-GCGCCACGGTGTTCATGTCAGAGGTCACCAATGAGGCCGTGTACACCATGTCCCCCACCG[C>G]TGGCCCCAACCACCACCTCCTCTCACCTGACGCCTCTCAGGGCCTCGTCCTGGCCGTGAG-3'
Protein context (NP_056030.1, residues 406-426): NEAVYTMSPT[Ala416Gly]GPNHHLLSPD

ClinVar aggregate classification (germline): Uncertain significance. Review status: criteria provided, multiple submitters, no conflicts (2 of 4 stars). 2 submissions from 2 submitters: Uncertain significance (2). Last evaluated 2026-02-13.

Conditions:
Cerebellar dysfunction with variable cognitive and behavioral abnormalities (CECBA). Also called: Nonprogressive cerebellar atxia with intellectual disability. Identifiers: Orphanet 314647, MedGen C3553661, MONDO:0013886, OMIM 614756.

Submissions (2):

OLLIN Analises Genomicas, OLLIN
Classification: Uncertain significance for Cerebellar dysfunction with variable cognitive and behavioral abnormalities. Last evaluated: 2026-02-13. Review status: criteria provided, single submitter. Criteria: ACMG Guidelines 2015 PMID 25741868. Collection method: clinical testing. Allele origin: germline. Observed: 1 variant allele.
Comment: PM2_P, BP4_M

Dasa
Classification: Uncertain significance. Last evaluated: 2024-09-26. Review status: criteria provided, single submitter. Criteria: DASA Assertion Criteria. Collection method: clinical testing. Allele origin: germline.
Comment: NM_015215.4(CAMTA1):c.1247C>G (p.Ala416Gly) is a missense variant that results in the substitution of alanine with glycine. This variant is absent from population databases. Computational prediction algorithms are consistent with a benign effect. The currently available literature and clinical evidence are not sufficient to establish a definitive association between this variant and the reported condition. Therefore, this variant is classified as a variant of uncertain significance.